The following is an entry in ClinVar:

ClinVar aggregate classification (germline): Likely benign. Review status: criteria provided, multiple submitters, no conflicts (2 of 4 stars). 3 submissions from 3 submitters: Likely benign (2). 1 of the submissions does not count toward it. Last evaluated 2023-12-25.

Conditions:
CEP290-related disorder. Also called: CEP290-related condition; CEP290-related disorders. Identifiers: MedGen CN239314.
Meckel-Gruber syndrome. Also called: DYSENCEPHALIA SPLANCHNOCYSTICA; GRUBER SYNDROME; Dysencephalia splachnocystica. Identifiers: Orphanet 564, MedGen C0265215, MONDO:0018921.
Joubert syndrome. Also called: JOUBERT-BOLTSHAUSER SYNDROME; Familial aplasia of the vermis. Identifiers: Orphanet 475, MedGen C5979921, MONDO:0018772.
Nephronophthisis. Also called: Juvenile Nephronophthisis. Identifiers: Orphanet 655, MedGen C0687120, MONDO:0019005, HP:0000090.

Allele frequency attached by ClinVar (database versions not stated): ExAC 0.00001; gnomAD 0.00001 and 0.00002; gnomAD exomes 0.00001; TOPMed 0.00002.

Submissions (3):

Labcorp Genetics (formerly Invitae), Labcorp
Classification: Likely benign for Joubert syndrome; Meckel-Gruber syndrome; Nephronophthisis. Last evaluated: 2023-12-25. Review status: criteria provided, single submitter. Criteria: Invitae Variant Classification Sherloc (09022015). Collection method: clinical testing. Allele origin: germline.

Blueprint Genetics
Classification: Likely benign. Last evaluated: 2023-10-03. Review status: criteria provided, single submitter. Criteria: ACMG Guidelines, 2015. Collection method: clinical testing. Allele origin: germline.

PreventionGenetics, part of Exact Sciences
Classification: Likely benign for CEP290-related condition. Last evaluated: 2019-03-14. Review status: no assertion criteria provided. Collection method: clinical testing. Allele origin: germline. Not counted in ClinVar's aggregate classification.
Comment: This variant is classified as likely benign based on ACMG/AMP sequence variant interpretation guidelines (Richards et al. 2015 PMID: 25741868, with internal and published modifications).

NM_025114.4(CEP290):c.4518G>A (p.Arg1506=)

Gene: CEP290 (centrosomal protein 290; minus strand). Cytogenetic location: 12q21.32.
Variant type: single nucleotide variant.
Coding change: c.4518G>A on transcript NM_025114.4 (MANE Select); coding-DNA position 4518, G replaced by A.
Protein change: p.Arg1506=; no amino-acid change (arginine 1506 retained).
Molecular consequence: synonymous variant.
Genome position (GRCh38, 1-based): chr12:88,084,772, C>T on the plus strand (G>A on the coding strand, the complement: CEP290 is on the minus strand). VCF-style: chr12-88084772-C-T. GRCh37 (hg19) VCF-style: chr12-88478549-C-T.
Other names: c.4518G>A (NM_025114.3).
Identifiers: ClinVar variation 1120279 (VCV001120279.12), dbSNP rs748296011, ClinGen allele CA6711922.